The following is an entry in ClinVar:

ClinVar aggregate classification (germline): Uncertain significance. Review status: criteria provided, single submitter (1 of 4 stars). 2 submissions from 2 submitters: Uncertain significance (1). 1 of the submissions does not count toward it. Last evaluated 2025-11-15.

Conditions:
Hereditary cancer-predisposing syndrome. Also called: Neoplastic Syndromes, Hereditary; Tumor predisposition; Hereditary neoplastic syndrome; Hereditary Cancer Syndrome. Identifiers: Orphanet 140162, MedGen C0027672, MeSH D009386, MONDO:0015356.
Bloom syndrome (BLM). Also called: Bloom-Torre-Machacek syndrome. Identifiers: Orphanet 125, MedGen C0005859, MONDO:0008876, OMIM 210900.

Submissions (2):

Ambry Genetics
Classification: Uncertain significance for Hereditary cancer-predisposing syndrome. Last evaluated: 2025-11-15. Review status: criteria provided, single submitter. Criteria: Ambry Variant Classification Scheme 2023. Collection method: clinical testing. Allele origin: germline.
Comment: The p.T1385I variant (also known as c.4154C>T), located in coding exon 21 of the BLM gene, results from a C to T substitution at nucleotide position 4154. The threonine at codon 1385 is replaced by isoleucine, an amino acid with similar properties. This amino acid position is poorly conserved in available vertebrate species. In addition, this alteration is predicted to be tolerated by in silico analysis. Since supporting evidence is limited at this time, the clinical significance of this alteration remains unclear.

Natera, Inc.
Classification: Uncertain significance for Bloom syndrome. Last evaluated: 2021-07-01. Review status: no assertion criteria provided. Collection method: clinical testing. Allele origin: germline. Not counted in ClinVar's aggregate classification.

NM_000057.4(BLM):c.4154C>T (p.Thr1385Ile)

Gene: BLM (BLM RecQ like helicase; plus strand). Cytogenetic location: 15q26.1.
Variant type: single nucleotide variant.
Coding change: c.4154C>T on transcript NM_000057.4 (MANE Select); coding-DNA position 4154, C replaced by T.
Protein change: p.Thr1385Ile; replaces threonine 1385 with isoleucine.
Molecular consequence: missense variant.
Genome position (GRCh38, 1-based): chr15:90,815,179, C>T. VCF-style: chr15-90815179-C-T. GRCh37 (hg19) VCF-style: chr15-91358409-C-T.
Other names: c.4154C>T, p.Thr1385Ile (NM_001287246.2); c.3761C>T, p.Thr1254Ile (NM_001287247.2); c.3029C>T, p.Thr1010Ile (NM_001287248.2); short protein forms T1010I, T1385I, T1254I.
Identifiers: ClinVar variation 824634 (VCV000824634.6), dbSNP rs1596276510, ClinGen allele CA393852374.